The following is an entry in ClinVar:

ClinVar aggregate classification (germline): Conflicting classifications of pathogenicity. Review status: criteria provided, conflicting classifications (1 of 4 stars). 4 submissions from 3 submitters: Uncertain significance (1); Benign (1); Likely benign (2). Last evaluated 2026-05-25.

Conditions:
Tangier disease (TGD). Also called: HIGH DENSITY LIPOPROTEIN DEFICIENCY, TANGIER TYPE; HIGH DENSITY LIPOPROTEIN DEFICIENCY, TYPE 1; Cholesterol thesaurismosis. Identifiers: Orphanet 31150, MedGen C0039292, MONDO:0008783, OMIM 205400.
Hypoalphalipoproteinemia, primary, 1. Identifiers: Orphanet 425, MedGen C5231558, MONDO:0011393, OMIM 604091.

Allele frequency attached by ClinVar (database versions not stated): TOPMed 0.00005; gnomAD 0.00006; gnomAD exomes 0.00010; ExAC 0.00013.
gnomAD v4.1: 197 of 1,613,996 alleles (0.012%); highest among the groups gnomAD compares: Non-Finnish European, 0.016%; no homozygotes.

Submissions (5):

Women's Health and Genetics/Laboratory Corporation of America, LabCorp
Classification: Likely benign. Last evaluated: 2026-05-25. Review status: criteria provided, single submitter. Criteria: LabCorp Variant Classification Summary - May 2015. Collection method: clinical testing. Allele origin: germline.

Labcorp Genetics (formerly Invitae), Labcorp
Classification: Likely benign. Last evaluated: 2025-07-27. Review status: criteria provided, single submitter. Criteria: Invitae Variant Classification Sherloc (09022015). Collection method: clinical testing. Allele origin: germline.

Illumina Laboratory Services, Illumina
Classification: Uncertain significance for Tangier disease. Last evaluated: 2018-01-13. Review status: criteria provided, single submitter. Criteria: ICSL Variant Classification Criteria 13 December 2019. Collection method: clinical testing. Allele origin: germline.

Illumina Laboratory Services, Illumina
Classification: Benign for Hypoalphalipoproteinemia, primary, 1. Last evaluated: 2018-01-13. Review status: criteria provided, single submitter. Criteria: ICSL Variant Classification Criteria 13 December 2019. Collection method: clinical testing. Allele origin: germline.
Comment: This variant was observed in the ICSL laboratory as part of a predisposition screen in an ostensibly healthy population. It had not been previously curated by ICSL or reported in the Human Gene Mutation Database (HGMD: prior to June 1st, 2018), and was therefore a candidate for classification through an automated scoring system. Utilizing variant allele frequency, disease prevalence and penetrance estimates, and inheritance mode, an automated score was calculated to assess if this variant is too frequent to cause the disease. Based on the score and internal cut-off values, a variant classified as benign is not then subjected to further curation. The score for this variant resulted in a classification of benign for this disease.

Dr. Peter K. Rogan Lab, Western University
No classification provided (evidence only). Condition: Gastric cancer. Review status: no classification provided. Collection method: in vitro. Allele origin: not applicable. Functional consequence: retained intron. Not counted in ClinVar's aggregate classification.

NM_005502.4(ABCA1):c.161-12C>G

Gene: ABCA1 (ATP binding cassette subfamily A member 1; minus strand). Cytogenetic location: 9q31.1.
Variant type: single nucleotide variant.
Coding change: c.161-12C>G on transcript NM_005502.4 (MANE Select); 12 bases into the intron before coding-DNA position 161, C replaced by G.
Molecular consequence: intron variant.
Genome position (GRCh38, 1-based): chr9:104,884,580, G>C on the plus strand (C>G on the coding strand, the complement: ABCA1 is on the minus strand). VCF-style: chr9-104884580-G-C. GRCh37 (hg19) VCF-style: chr9-107646861-G-C.
Identifiers: ClinVar variation 364465 (VCV000364465.11), dbSNP rs201555773, ClinGen allele CA5169469.
Genomic context (GRCh38, chr9:104,884,580, plus strand): 5'-ACCCAAGGAAGTGTTCCTGCAGAGGGCATGGCTTTATTTGGAAAATGGCCTGTTGAAATC[G>C]AGGAGTAGAAAAACACAGGGAGAAACATTAATTCCCTGAAGCGATTTTGAGGCTCCATTT-3'